The following is an entry in ClinVar:

ClinVar aggregate classification (germline): Uncertain significance. Review status: criteria provided, multiple submitters, no conflicts (2 of 4 stars). 2 submissions from 2 submitters: Uncertain significance (2). Last evaluated 2024-05-13.

Allele frequency attached by ClinVar (database versions not stated): gnomAD exomes below 0.00001 and 0.00001.
gnomAD v4.1: 3 of 1,549,360 alleles (0.00019%); highest among the groups gnomAD compares: Admixed American, 0.002%; no homozygotes.

Submissions (2):

GeneDx
Classification: Uncertain significance. Last evaluated: 2024-05-13. Review status: criteria provided, single submitter. Criteria: GeneDx Variant Classification Process June 2021. Collection method: clinical testing. Allele origin: germline. Affected: yes.
Comment: Not observed at significant frequency in large population cohorts (gnomAD); In silico analysis supports that this missense variant has a deleterious effect on protein structure/function; Has not been previously published as pathogenic or benign to our knowledge

Labcorp Genetics (formerly Invitae), Labcorp
Classification: Uncertain significance. Last evaluated: 2021-08-25. Review status: criteria provided, single submitter. Criteria: Invitae Variant Classification Sherloc (09022015). Collection method: clinical testing. Allele origin: germline.

NM_001371986.1(UNC80):c.5996T>C (p.Val1999Ala)

Gene: UNC80 (unc-80 homolog, NALCN channel complex subunit; plus strand). Cytogenetic location: 2q34.
Variant type: single nucleotide variant.
Coding change: c.5996T>C on transcript NM_001371986.1 (MANE Select); coding-DNA position 5996, T replaced by C.
Protein change: p.Val1999Ala; replaces valine 1999 with alanine.
Molecular consequence: missense variant.
Genome position (GRCh38, 1-based): chr2:209,933,823, T>C. VCF-style: chr2-209933823-T-C. GRCh37 (hg19) VCF-style: chr2-210798547-T-C.
Other names: c.5798T>C, p.Val1933Ala (NM_032504.2); c.5783T>C, p.Val1928Ala (NM_182587.4); c.5798T>C (NM_032504.1); short protein forms V1933A, V1928A, V1999A.
Identifiers: ClinVar variation 1485937 (VCV001485937.4), dbSNP rs984602297, ClinGen allele CA350768803.